The following is an entry in ClinVar:

ClinVar aggregate classification (germline): Conflicting classifications of pathogenicity. Review status: criteria provided, conflicting classifications (1 of 4 stars). 2 submissions from 2 submitters: Uncertain significance (1); Likely benign (1). Last evaluated 2023-03-23.

Conditions:
Hereditary cancer-predisposing syndrome. Also called: Tumor predisposition; Hereditary neoplastic syndrome; Neoplastic Syndromes, Hereditary; Hereditary Cancer Syndrome. Identifiers: Orphanet 140162, MedGen C0027672, MeSH D009386, MONDO:0015356.
Hereditary breast ovarian cancer syndrome. Also called: Hereditary breast and ovarian cancer; Breast and ovarian cancer; Hereditary breast and/or ovarian cancer syndrome; Hereditary breast and ovarian cancer syndrome; Hereditary breast and ovarian cancer syndrome (HBOC); BRCA1- and BRCA2-Associated Hereditary Breast and Ovarian Cancer. Identifiers: Orphanet 145, MedGen C0677776, MeSH D061325, MONDO:0003582. Disease mechanism: loss of function.

Submissions (2):

University of Washington Department of Laboratory Medicine, University of Washington
Classification: Likely benign for Hereditary cancer-predisposing syndrome. Last evaluated: 2023-03-23. Review status: criteria provided, single submitter. Criteria: Dines et al. (Genet Med. 2020). Collection method: curation. Allele origin: germline.
Comment: Missense variant in a coldspot region where missense variants are very unlikely to be pathogenic (PMID:31911673).

BRCA2 exon 11 coldspot. Reclassification based on statistical prior probability.

Labcorp Genetics (formerly Invitae), Labcorp
Classification: Uncertain significance for Hereditary breast ovarian cancer syndrome. Last evaluated: 2019-01-21. Review status: criteria provided, single submitter. Criteria: Invitae Variant Classification Sherloc (09022015). Collection method: clinical testing. Allele origin: germline.
Comment: In summary, the available evidence is currently insufficient to determine the role of this variant in disease. Therefore, it has been classified as a Variant of Uncertain Significance. Algorithms developed to predict the effect of missense changes on protein structure and function are either unavailable or do not agree on the potential impact of this missense change (SIFT: "Tolerated"; PolyPhen-2: "Possibly Damaging"; Align-GVGD: "Class C0"). This variant has not been reported in the literature in individuals with BRCA2-related conditions. This variant is not present in population databases (ExAC no frequency). This sequence change replaces phenylalanine with leucine at codon 2083 of the BRCA2 protein (p.Phe2083Leu). The phenylalanine residue is highly conserved and there is a small physicochemical difference between phenylalanine and leucine.

NM_000059.4(BRCA2):c.6249T>A (p.Phe2083Leu)

Gene: BRCA2 (BRCA2 DNA repair associated; plus strand). Cytogenetic location: 13q13.1.
Variant type: single nucleotide variant.
Coding change: c.6249T>A on transcript NM_000059.4 (MANE Select); coding-DNA position 6249, T replaced by A.
Protein change: p.Phe2083Leu; replaces phenylalanine 2083 with leucine.
Molecular consequence: missense variant.
Genome position (GRCh38, 1-based): chr13:32,340,604, T>A. VCF-style: chr13-32340604-T-A. GRCh37 (hg19) VCF-style: chr13-32914741-T-A.
Other names: short protein forms F2083L.
Identifiers: ClinVar variation 860517 (VCV000860517.11), dbSNP rs2072550078, ClinGen allele CA387788926.